The following is an entry in ClinVar:

NM_001103.4(ACTN2):c.430C>T (p.Gln144Ter)

Gene: ACTN2 (actinin alpha 2; plus strand). Cytogenetic location: 1q43.
Variant type: single nucleotide variant.
Coding change: c.430C>T on transcript NM_001103.4 (MANE Select); coding-DNA position 430, C replaced by T.
Protein change: p.Gln144Ter; replaces glutamine 144 with a stop codon.
Molecular consequence: nonsense. On other transcripts: non-coding transcript variant (1).
Genome position (GRCh38, 1-based): chr1:236,720,173, C>T. VCF-style: chr1-236720173-C-T. GRCh37 (hg19) VCF-style: chr1-236883473-C-T.
Other names: c.430C>T, p.Gln144Ter (NM_001278343.2); short protein forms Q144*.
Identifiers: ClinVar variation 4793143 (VCV004793143.1).

ClinVar aggregate classification (germline): Uncertain significance (1 of 4 stars; one submission).

Conditions:
Dilated cardiomyopathy 1AA (CMD1AA). Also called: CARDIOMYOPATHY, DILATED, 1AA, WITH OR WITHOUT LEFT VENTRICULAR NONCOMPACTION; CARDIOMYOPATHY, FAMILIAL HYPERTROPHIC, 23, WITH OR WITHOUT LEFT VENTRICULAR NONCOMPACTION; Cardiomyopathy, dilated, 1AA, with or without LVNC. Identifiers: Orphanet 154, MedGen C2677338, MONDO:0012808, OMIM 612158.
Primary familial hypertrophic cardiomyopathy (HCM). Identifiers: Orphanet 99739, MedGen C0949658, MeSH D024741, MONDO:0024573. Inheritance: Various modes of inheritance.

Submission:

Labcorp Genetics (formerly Invitae), Labcorp
Classification: Uncertain significance for Primary familial hypertrophic cardiomyopathy; Dilated cardiomyopathy 1AA. Last evaluated: 2025-11-22. Review status: criteria provided, single submitter. Criteria: Invitae Variant Classification Sherloc (09022015). Collection method: clinical testing. Allele origin: germline.
Comment: This sequence change creates a premature translational stop signal (p.Gln144*) in the ACTN2 gene. It is expected to result in an absent or disrupted protein product. However, the current clinical and genetic evidence is not sufficient to establish whether loss-of-function variants in ACTN2 cause disease. This variant is not present in population databases (gnomAD no frequency). This variant has not been reported in the literature in individuals affected with ACTN2-related conditions. In summary, the available evidence is currently insufficient to determine the role of this variant in disease. Therefore, it has been classified as a Variant of Uncertain Significance.